The following is an entry in ClinVar:

ClinVar aggregate classification (germline): Conflicting classifications of pathogenicity. Review status: criteria provided, conflicting classifications (1 of 4 stars). 5 submissions from 5 submitters: Uncertain significance (4); Likely benign (1). Last evaluated 2025-06-30.

Conditions:
Autosomal dominant cerebellar ataxia. Also called: Spinocerebellar Ataxia, Dominant. Identifiers: Orphanet 99, MedGen C4087347, MONDO:0020380.
Spinocerebellar ataxia type 15/16 (SCA15). Also called: Spinocerebellar Ataxia Type 15. Identifiers: Orphanet 98769, MedGen C1847725, MONDO:0011694, OMIM 606658.

Allele frequency attached by ClinVar (database versions not stated): TOPMed 0.00011; gnomAD 0.00005.
gnomAD v4.1: 71 of 1,612,778 alleles (0.0044%); highest among the groups gnomAD compares: East Asian, 0.025%; no homozygotes.

Submissions (5):

Labcorp Genetics (formerly Invitae), Labcorp
Classification: Likely benign. Last evaluated: 2025-06-30. Review status: criteria provided, single submitter. Criteria: Invitae Variant Classification Sherloc (09022015). Collection method: clinical testing. Allele origin: germline.

Athena Diagnostics
Classification: Uncertain significance. Last evaluated: 2023-03-02. Review status: criteria provided, single submitter. Criteria: Athena Diagnostics Criteria. Collection method: clinical testing. Allele origin: unknown.
Comment: Available data are insufficient to determine the clinical significance of the variant at this time. The frequency of this variant in the general population is higher than would generally be expected for pathogenic variants in this gene. Computational tools predict that this variant is not damaging.

Revvity Omics, Revvity
Classification: Uncertain significance. Last evaluated: 2022-04-25. Review status: criteria provided, single submitter. Criteria: ACMG Guidelines, 2015. Collection method: clinical testing. Allele origin: germline.

Victorian Clinical Genetics Services, Murdoch Childrens Research Institute
Classification: Uncertain significance for Spinocerebellar ataxia type 15/16. Last evaluated: 2020-05-21. Review status: criteria provided, single submitter. Criteria: ACMG Guidelines, 2015. Collection method: clinical testing. Allele origin: germline. Affected: yes.
Comment: Based on the classification scheme VCGS_Germline_v1.1.1, this variant is classified as a 3C-VUS. Following criteria are met: 0103 - Both loss- and gain-of-function are known mechanisms of disease for missense variants in this gene (PMID 29925855, PMID 28620721). (N) 0108 - This gene is known to be associated with both recessive and dominant disease. (N) 0200 - Variant is predicted to result in a missense amino acid change from an alanine to a threonine (exon 5). (N) 0251 - Variant is heterozygous. (N) 0302 - Variant is present in gnomAD <0.001 for a dominant condition (21 heterozygotes, 0 homozygotes). (P) 0309 - An alternative amino acid change at the same position has been observed in gnomAD (1 heterozygote, 0 homozygotes). (N) 0502 - Missense variant with conflicting in silico predictions and/or uninformative conservation. (N) 0504 - Same amino acid change has been observed in mammals. (B) 0600 - Variant is located in an annotated domain or motif (Inositol 1,4,5-triphosphate receptor domain) (N) 0705 - No comparable variants have previous evidence for pathogenicity. (N) 0807 - Variant has not previously been reported in a clinical context. (N) 0905 - No segregation evidence has been identified for this variant. (N) 1007 - No published functional evidence has been identified for this variant. (N) 1208 - Inheritance information for this variant is not currently available. (N) Legend: (P) - Pathogenic, (N) - Neutral, (B) - Benign

Illumina Laboratory Services, Illumina
Classification: Uncertain significance for Spinocerebellar Ataxia, Dominant. Last evaluated: 2018-01-12. Review status: criteria provided, single submitter. Criteria: ICSL Variant Classification Criteria 13 December 2019. Collection method: clinical testing. Allele origin: germline.

Literature cited by the submitters: PubMed 30564305 (cited by Athena Diagnostics); PubMed 28620721 (cited by Victorian Clinical Genetics Services, Murdoch Childrens Research Institute); PubMed 29925855 (cited by Victorian Clinical Genetics Services, Murdoch Childrens Research Institute).

NM_001378452.1(ITPR1):c.256G>A (p.Ala86Thr)

Gene: ITPR1 (inositol 1,4,5-trisphosphate receptor type 1; plus strand). Cytogenetic location: 3p26.1.
Variant type: single nucleotide variant.
Coding change: c.256G>A on transcript NM_001378452.1 (MANE Select); coding-DNA position 256, G replaced by A.
Protein change: p.Ala86Thr; replaces alanine 86 with threonine.
Molecular consequence: missense variant.
Genome position (GRCh38, 1-based): chr3:4,627,855, G>A. VCF-style: chr3-4627855-G-A. GRCh37 (hg19) VCF-style: chr3-4669539-G-A.
Other names: c.256G>A (NM_002222.6, NM_001168272.1); c.256G>A, p.Ala86Thr (NM_001099952.4, NM_001168272.2, NM_002222.7); short protein forms A86T.
Identifiers: ClinVar variation 900350 (VCV000900350.11), dbSNP rs767787371, ClinGen allele CA2230834.
Genomic context (GRCh38, chr3:4,627,855, plus strand): 5'-TACTCTGCCCAAAAGCAGTTCTGGAAAGCCGCTAAGCCTGGGGCCAACAGCACCACAGAC[G>A]CAGTGCTACTCAACAAACTGCACGTACGTATTGCCATGGGGCTGTCGATGGGGCAGTAGT-3'
Protein context (NP_001365381.1, residues 76-96): AKPGANSTTD[Ala86Thr]VLLNKLHHAA